The following is an entry in ClinVar:

ClinVar aggregate classification (germline): Uncertain significance (1 of 4 stars; one submission).

Submission:

GeneDx
Classification: Uncertain significance. Last evaluated: 2026-04-10. Review status: criteria provided, single submitter. Criteria: GeneDx Variant Classification Process June 2021. Collection method: clinical testing. Allele origin: germline.
Comment: Not observed at significant frequency in large population cohorts (gnomAD); In silico analysis suggests that this missense variant does not alter protein structure/function; Has not been previously published as pathogenic or benign to our knowledge

NM_170606.3(KMT2C):c.3347A>G (p.Asn1116Ser)

Gene: KMT2C (lysine methyltransferase 2C; minus strand). Cytogenetic location: 7q36.1.
Variant type: single nucleotide variant.
Coding change: c.3347A>G on transcript NM_170606.3 (MANE Select); coding-DNA position 3347, A replaced by G.
Protein change: p.Asn1116Ser; replaces asparagine 1116 with serine.
Molecular consequence: missense variant.
Genome position (GRCh38, 1-based): chr7:152,222,659, T>C on the plus strand (A>G on the coding strand, the complement: KMT2C is on the minus strand). VCF-style: chr7-152222659-T-C. GRCh37 (hg19) VCF-style: chr7-151919744-T-C.
Other names: short protein forms N1116S.
Identifiers: ClinVar variation 5036982 (VCV005036982.1).